The following is an entry in ClinVar:

NM_001360452.2(PCMT1):c.639C>T (p.Tyr213=)

Gene: PCMT1 (protein-L-isoaspartate (D-aspartate) O-methyltransferase; plus strand). Cytogenetic location: 6q25.1.
Variant type: single nucleotide variant.
Coding change: c.639C>T on transcript NM_001360452.2 (MANE Select); coding-DNA position 639, C replaced by T.
Protein change: p.Tyr213=; no amino-acid change (tyrosine 213 retained).
Molecular consequence: synonymous variant.
Genome position (GRCh38, 1-based): chr6:149,802,334, C>T. VCF-style: chr6-149802334-C-T. GRCh37 (hg19) VCF-style: chr6-150123470-C-T.
Other names: c.813C>T, p.Tyr271= (NM_001252049.1, NM_001252053.1, NM_005389.2); c.708C>T, p.Tyr236= (NM_001252050.1, NM_001252051.1, NM_001252052.1); c.639C>T, p.Tyr213= (NM_001360456.1).
Identifiers: ClinVar variation 2656993 (VCV002656993.24), dbSNP rs372615350, ClinGen allele CA150010534.

ClinVar aggregate classification (germline): Likely benign (1 of 4 stars; one submission).

Allele frequency attached by ClinVar (database versions not stated): gnomAD exomes 0.00001; TOPMed 0.00001.
gnomAD v4.1: 21 of 1,613,364 alleles (0.0013%); highest among the groups gnomAD compares: East Asian, 0.0045%; no homozygotes.

Submission:

CeGaT Center for Human Genetics Tuebingen
Classification: Likely benign. Last evaluated: 2022-09-01. Review status: criteria provided, single submitter. Criteria: CeGaT Center For Human Genetics Tuebingen Variant Classification Criteria Version 2. Collection method: clinical testing. Allele origin: germline. Affected: yes. Observed: 1 variant allele.
Comment: PCMT1: BP4, BP7